The following is an entry in ClinVar:

ClinVar aggregate classification (germline): Benign/Likely benign. Review status: criteria provided, single submitter (1 of 4 stars). 2 submissions from 1 submitter: Benign (1); Likely benign (1). Last evaluated 2018-01-13.

Conditions:
Gastrointestinal stromal tumor. Also called: Gastrointestinal stromal tumor, somatic; Gastrointestinal stroma tumor. Identifiers: Orphanet 44890, MedGen C0238198, MeSH D046152, MONDO:0011719, OMIM 606764, HP:0100723.
Idiopathic hypereosinophilic syndrome (HES). Identifiers: Orphanet 3260, MedGen C0206141, MONDO:0011895, OMIM 607685. Disease mechanism: gain of function.

Allele frequency attached by ClinVar (database versions not stated): 1000 Genomes Project 30x 0.00031; 1000 Genomes Project 0.00040; TOPMed 0.00076; gnomAD 0.00095 and 0.00097; gnomAD exomes 0.00098.
gnomAD v4.1: 226 of 233,510 alleles (0.097%); highest among the groups gnomAD compares: Non-Finnish European, 0.14%; 2 homozygotes.

Submissions (2):

Illumina Laboratory Services, Illumina
Classification: Likely benign for Gastrointestinal stromal tumor. Last evaluated: 2018-01-13. Review status: criteria provided, single submitter. Criteria: ICSL Variant Classification Criteria 13 December 2019. Collection method: clinical testing. Allele origin: germline.
Comment: This variant was observed in the ICSL laboratory as part of a predisposition screen in an ostensibly healthy population. It had not been previously curated by ICSL or reported in the Human Gene Mutation Database (HGMD: prior to June 1st, 2018), and was therefore a candidate for classification through an automated scoring system. Utilizing variant allele frequency, disease prevalence and penetrance estimates, and inheritance mode, an automated score was calculated to assess if this variant is too frequent to cause the disease. Based on the score and internal cut-off values, a variant classified as likely benign is not then subjected to further curation. The score for this variant resulted in a classification of likely benign for this disease.

Illumina Laboratory Services, Illumina
Classification: Benign for Idiopathic hypereosinophilic syndrome. Last evaluated: 2018-01-13. Review status: criteria provided, single submitter. Criteria: ICSL Variant Classification Criteria 13 December 2019. Collection method: clinical testing. Allele origin: germline.
Comment: This variant was observed in the ICSL laboratory as part of a predisposition screen in an ostensibly healthy population. It had not been previously curated by ICSL or reported in the Human Gene Mutation Database (HGMD: prior to June 1st, 2018), and was therefore a candidate for classification through an automated scoring system. Utilizing variant allele frequency, disease prevalence and penetrance estimates, and inheritance mode, an automated score was calculated to assess if this variant is too frequent to cause the disease. Based on the score and internal cut-off values, a variant classified as benign is not then subjected to further curation. The score for this variant resulted in a classification of benign for this disease.

NM_006206.6(PDGFRA):c.*2538G>A

Gene: PDGFRA (platelet derived growth factor receptor alpha; plus strand). Cytogenetic location: 4q12.
Variant type: single nucleotide variant.
Coding change: c.*2538G>A on transcript NM_006206.6 (MANE Select); 2538 bases downstream of the stop codon, G replaced by A.
Molecular consequence: 3 prime UTR variant.
Genome position (GRCh38, 1-based): chr4:54,297,810, G>A. VCF-style: chr4-54297810-G-A. GRCh37 (hg19) VCF-style: chr4-55163977-G-A.
Other names: c.*2538G>A (NM_001347828.2, NM_001347829.2, NM_001347830.2).
Identifiers: ClinVar variation 348948 (VCV000348948.5), dbSNP rs377126983, ClinGen allele CA10621232.